The following is an entry in ClinVar:

ClinVar aggregate classification (germline): Uncertain significance (1 of 4 stars; one submission).

Submission:

Labcorp Genetics (formerly Invitae), Labcorp
Classification: Uncertain significance. Last evaluated: 2022-08-09. Review status: criteria provided, single submitter. Criteria: Invitae Variant Classification Sherloc (09022015). Collection method: clinical testing. Allele origin: germline.
Comment: This sequence change replaces leucine, which is neutral and non-polar, with serine, which is neutral and polar, at codon 765 of the HPS5 protein (p.Leu765Ser). This variant is not present in population databases (gnomAD no frequency). This variant has not been reported in the literature in individuals affected with HPS5-related conditions. ClinVar contains an entry for this variant (Variation ID: 1362516). Algorithms developed to predict the effect of missense changes on protein structure and function output the following: SIFT: "Tolerated"; PolyPhen-2: "Benign"; Align-GVGD: "Class C0". The serine amino acid residue is found in multiple mammalian species, which suggests that this missense change does not adversely affect protein function. In summary, the available evidence is currently insufficient to determine the role of this variant in disease. Therefore, it has been classified as a Variant of Uncertain Significance.

NM_181507.2(HPS5):c.2294T>C (p.Leu765Ser)

Gene: HPS5 (HPS5 biogenesis of lysosomal organelles complex 2 subunit 2; minus strand). Cytogenetic location: 11p15.1.
Variant type: single nucleotide variant.
Coding change: c.2294T>C on transcript NM_181507.2 (MANE Select); coding-DNA position 2294, T replaced by C.
Protein change: p.Leu765Ser; replaces leucine 765 with serine.
Molecular consequence: missense variant.
Genome position (GRCh38, 1-based): chr11:18,291,588, A>G on the plus strand (T>C on the coding strand, the complement: HPS5 is on the minus strand). VCF-style: chr11-18291588-A-G. GRCh37 (hg19) VCF-style: chr11-18313135-A-G.
Other names: c.1952T>C, p.Leu651Ser (NM_007216.4, NM_181508.2); short protein forms L765S, L651S.
Identifiers: ClinVar variation 1362516 (VCV001362516.5), dbSNP rs1418107072, ClinGen allele CA379489261.